The following is an entry in ClinVar:

ClinVar aggregate classification (germline): Uncertain significance. Review status: criteria provided, single submitter (1 of 4 stars). 2 submissions from 2 submitters: Uncertain significance (1). 1 of the submissions does not count toward it. Last evaluated 2022-04-20.

Conditions:
Zellweger spectrum disorders (ZS). Also called: Zellweger Spectrum Disorder; Zellweger Spectrum; Zellweger Spectrum Disorder (ZSD); Zellweger syndrome. Identifiers: Orphanet 912, MedGen C0043459, MONDO:0019609.
Peroxisome biogenesis disorder. Identifiers: Orphanet 79189, MedGen C1832200, MONDO:0019234. Disease mechanism: loss of function.

Allele frequency attached by ClinVar (database versions not stated): gnomAD exomes below 0.00001; TOPMed below 0.00001.
gnomAD v4.1: 2 of 1,614,158 alleles (0.00012%); highest among the groups gnomAD compares: Non-Finnish European, 0.00017%; no homozygotes.

Submissions (2):

Labcorp Genetics (formerly Invitae), Labcorp
Classification: Uncertain significance for Peroxisome biogenesis disorder. Last evaluated: 2022-04-20. Review status: criteria provided, single submitter. Criteria: Invitae Variant Classification Sherloc (09022015). Collection method: clinical testing. Allele origin: germline.
Comment: This sequence change falls in intron 10 of the PEX6 gene. It does not directly change the encoded amino acid sequence of the PEX6 protein. It affects a nucleotide within the consensus splice site. This variant is not present in population databases (gnomAD no frequency). This variant has not been reported in the literature in individuals affected with PEX6-related conditions. ClinVar contains an entry for this variant (Variation ID: 992062). Variants that disrupt the consensus splice site are a relatively common cause of aberrant splicing (PMID: 17576681, 9536098). Algorithms developed to predict the effect of sequence changes on RNA splicing suggest that this variant may disrupt the consensus splice site. In summary, the available evidence is currently insufficient to determine the role of this variant in disease. Therefore, it has been classified as a Variant of Uncertain Significance.

Natera, Inc.
Classification: Uncertain significance for Zellweger syndrome. Last evaluated: 2020-08-14. Review status: no assertion criteria provided. Collection method: clinical testing. Allele origin: germline. Not counted in ClinVar's aggregate classification.

Literature cited by the submitters: PubMed 17576681 (cited by Labcorp Genetics (formerly Invitae), Labcorp); PubMed 9536098 (cited by Labcorp Genetics (formerly Invitae), Labcorp).

NM_000287.4(PEX6):c.2094+4G>A

Gene: PEX6 (peroxisomal biogenesis factor 6; minus strand). Cytogenetic location: 6p21.1.
Variant type: single nucleotide variant.
Coding change: c.2094+4G>A on transcript NM_000287.4 (MANE Select); 4 bases into the intron after coding-DNA position 2094, G replaced by A.
Molecular consequence: intron variant. On other transcripts: non-coding transcript variant (1).
Genome position (GRCh38, 1-based): chr6:42,966,521, C>T on the plus strand (G>A on the coding strand, the complement: PEX6 is on the minus strand). VCF-style: chr6-42966521-C-T. GRCh37 (hg19) VCF-style: chr6-42934259-C-T.
Other names: c.1830+4G>A (NM_001316313.2).
Identifiers: ClinVar variation 992062 (VCV000992062.6), dbSNP rs943511270, ClinGen allele CA138223404.